The following is an entry in ClinVar:

NM_014000.3(VCL):c.3233_3235del (p.Asn1078del)

Gene: VCL (vinculin; plus strand). Cytogenetic location: 10q22.2.
Variant type: Deletion.
Coding change: c.3233_3235del on transcript NM_014000.3 (MANE Select); coding-DNA positions 3233 to 3235, 3 bases deleted (ACA; older notation c.3233_3235delACA).
Protein change: p.Asn1078del; deletes asparagine 1078.
Molecular consequence: inframe deletion.
Genome position (GRCh38, 1-based): chr10:74,114,874-74,114,876, ACA deleted; deleting any 3 consecutive bases within chr10:74,114,872-74,114,876 gives the same sequence; the c. name uses the placement nearest the transcript's 3' end. VCF-style (leftmost placement, unchanged base first): chr10-74114871-CCAA-C. GRCh37 (hg19) VCF-style: chr10-75874629-CCAA-C.
Other names: c.3029_3031del, p.Asn1010del (NM_003373.4); short protein forms N1010del, N1078del.
Identifiers: ClinVar variation 2998432 (VCV002998432.3), dbSNP rs1400828758, ClinGen allele CA668312835.

ClinVar aggregate classification (germline): Uncertain significance (1 of 4 stars; one submission).

Conditions:
Dilated cardiomyopathy 1W (CMD1W). Identifiers: Orphanet 154, MedGen C1969639, MONDO:0012667, OMIM 611407.

Submission:

Labcorp Genetics (formerly Invitae), Labcorp
Classification: Uncertain significance for Dilated cardiomyopathy 1W. Last evaluated: 2023-05-04. Review status: criteria provided, single submitter. Criteria: Invitae Variant Classification Sherloc (09022015). Collection method: clinical testing. Allele origin: germline.
Comment: In summary, the available evidence is currently insufficient to determine the role of this variant in disease. Therefore, it has been classified as a Variant of Uncertain Significance. Experimental studies and prediction algorithms are not available or were not evaluated, and the functional significance of this variant is currently unknown. This variant has not been reported in the literature in individuals affected with VCL-related conditions. This variant is not present in population databases (gnomAD no frequency). This variant, c.3233_3235del, results in the deletion of 1 amino acid(s) of the VCL protein (p.Asn1078del), but otherwise preserves the integrity of the reading frame.